The following is an entry in ClinVar:

ClinVar aggregate classification (germline): Uncertain significance. Review status: criteria provided, multiple submitters, no conflicts (2 of 4 stars). 2 submissions from 2 submitters: Uncertain significance (2). Last evaluated 2025-07-15.

Conditions:
Mucopolysaccharidosis, MPS-III-C (MPS3C). Also called: SANFILIPPO SYNDROME C; MPS III C; mucopolysaccharidosis type 3C; MUCOPOLYSACCHARIDOSIS, TYPE IIIC; MPS IIIC (Sanfilippo Syndrome Type C); Mucopolysaccharidosis type IIIC (Sanfilippo C). Identifiers: Orphanet 581, Orphanet 79271, MedGen C0086649, MONDO:0009657, OMIM 252930.
Retinitis pigmentosa 73 (RP73). Identifiers: Orphanet 791, MedGen C4225287, MONDO:0014687, OMIM 616544.
Inborn genetic diseases. Identifiers: MedGen C0950123, MeSH D030342.

Allele frequency attached by ClinVar (database versions not stated): TOPMed 0.00002; ExAC 0.00001.
gnomAD v4.1: 4 of 1,613,290 alleles (0.00025%); highest among the groups gnomAD compares: South Asian, 0.0011%; no homozygotes.

Submissions (2):

Ambry Genetics
Classification: Uncertain significance for Inborn genetic diseases. Last evaluated: 2025-07-15. Review status: criteria provided, single submitter. Criteria: Ambry Variant Classification Scheme 2023. Collection method: clinical testing. Allele origin: germline.

Labcorp Genetics (formerly Invitae), Labcorp
Classification: Uncertain significance for Retinitis pigmentosa 73; Mucopolysaccharidosis, MPS-III-C. Last evaluated: 2023-12-06. Review status: criteria provided, single submitter. Criteria: Invitae Variant Classification Sherloc (09022015). Collection method: clinical testing. Allele origin: germline.
Comment: This sequence change replaces glutamic acid, which is acidic and polar, with lysine, which is basic and polar, at codon 465 of the HGSNAT protein (p.Glu465Lys). This variant is present in population databases (rs753112671, gnomAD 0.003%). This variant has not been reported in the literature in individuals affected with HGSNAT-related conditions. ClinVar contains an entry for this variant (Variation ID: 2149274). Advanced modeling of protein sequence and biophysical properties (such as structural, functional, and spatial information, amino acid conservation, physicochemical variation, residue mobility, and thermodynamic stability) performed at Invitae indicates that this missense variant is not expected to disrupt HGSNAT protein function with a negative predictive value of 95%. In summary, the available evidence is currently insufficient to determine the role of this variant in disease. Therefore, it has been classified as a Variant of Uncertain Significance.

NM_152419.3(HGSNAT):c.1393G>A (p.Glu465Lys)

Gene: HGSNAT (heparan-alpha-glucosaminide N-acetyltransferase; plus strand). Cytogenetic location: 8p11.21.
Variant type: single nucleotide variant.
Coding change: c.1393G>A on transcript NM_152419.3 (MANE Select); coding-DNA position 1393, G replaced by A.
Protein change: p.Glu465Lys; replaces glutamic acid 465 with lysine.
Molecular consequence: missense variant.
Genome position (GRCh38, 1-based): chr8:43,193,772, G>A. VCF-style: chr8-43193772-G-A. GRCh37 (hg19) VCF-style: chr8-43048915-G-A.
Other names: c.1393G>A (NM_152419.2); c.1393G>A, p.Glu465Lys (NM_001363227.2); c.1201G>A, p.Glu401Lys (NM_001363228.2); c.529G>A, p.Glu177Lys (NM_001363229.2); short protein forms E401K, E177K, E465K.
Identifiers: ClinVar variation 2149274 (VCV002149274.3), dbSNP rs753112671, ClinGen allele CA4736869.